The following is an entry in ClinVar:

ClinVar aggregate classification (germline): Uncertain significance (1 of 4 stars; one submission).

Conditions:
Progressive myoclonic epilepsy. Also called: Familial progressive myoclonic epilepsy; Myoclonic Epilepsies, Progressive; Myoclonus epilepsy; Progressive myoclonus epilepsy. Identifiers: Orphanet 308, Orphanet 98261, MedGen C0751778, MONDO:0020074.

gnomAD v4.1: 4 of 1,614,218 alleles (0.00025%); highest among the groups gnomAD compares: South Asian, 0.0033%; no homozygotes.

Submission:

Labcorp Genetics (formerly Invitae), Labcorp
Classification: Uncertain significance for Progressive myoclonic epilepsy. Last evaluated: 2022-08-23. Review status: criteria provided, single submitter. Criteria: Invitae Variant Classification Sherloc (09022015). Collection method: clinical testing. Allele origin: germline.
Comment: This sequence change replaces isoleucine, which is neutral and non-polar, with phenylalanine, which is neutral and non-polar, at codon 417 of the SCARB2 protein (p.Ile417Phe). This variant is not present in population databases (gnomAD no frequency). This variant has not been reported in the literature in individuals affected with SCARB2-related conditions. Algorithms developed to predict the effect of missense changes on protein structure and function are either unavailable or do not agree on the potential impact of this missense change (SIFT: "Deleterious"; PolyPhen-2: "Probably Damaging"; Align-GVGD: "Class C0"). In summary, the available evidence is currently insufficient to determine the role of this variant in disease. Therefore, it has been classified as a Variant of Uncertain Significance.

NM_005506.4(SCARB2):c.1249A>T (p.Ile417Phe)

Gene: SCARB2 (scavenger receptor class B member 2; minus strand). Cytogenetic location: 4q21.1.
Variant type: single nucleotide variant.
Coding change: c.1249A>T on transcript NM_005506.4 (MANE Select); coding-DNA position 1249, A replaced by T.
Protein change: p.Ile417Phe; replaces isoleucine 417 with phenylalanine.
Molecular consequence: missense variant.
Genome position (GRCh38, 1-based): chr4:76,163,374, T>A on the plus strand (A>T on the coding strand, the complement: SCARB2 is on the minus strand). VCF-style: chr4-76163374-T-A. GRCh37 (hg19) VCF-style: chr4-77084527-T-A.
Other names: c.820A>T, p.Ile274Phe (NM_001204255.2); short protein forms I274F, I417F.
Identifiers: ClinVar variation 1961450 (VCV001961450.2), dbSNP rs778593496, ClinGen allele CA357313577.